The following is an entry in ClinVar:

NM_001510.4(GRID2):c.1637G>C (p.Gly546Ala)

Gene: GRID2 (glutamate ionotropic receptor delta type subunit 2; plus strand). Cytogenetic location: 4q22.2.
Variant type: single nucleotide variant.
Coding change: c.1637G>C on transcript NM_001510.4 (MANE Select); coding-DNA position 1637, G replaced by C.
Protein change: p.Gly546Ala; replaces glycine 546 with alanine.
Molecular consequence: missense variant.
Genome position (GRCh38, 1-based): chr4:93,455,753, G>C. VCF-style: chr4-93455753-G-C. GRCh37 (hg19) VCF-style: chr4-94376904-G-C.
Other names: c.1352G>C, p.Gly451Ala (NM_001286838.1); short protein forms G546A, G451A.
Identifiers: ClinVar variation 2027227 (VCV002027227.4), dbSNP rs200446493, ClinGen allele CA357726036.

ClinVar aggregate classification (germline): Uncertain significance (1 of 4 stars; one submission).

Submission:

Labcorp Genetics (formerly Invitae), Labcorp
Classification: Uncertain significance. Last evaluated: 2022-05-04. Review status: criteria provided, single submitter. Criteria: Invitae Variant Classification Sherloc (09022015). Collection method: clinical testing. Allele origin: germline.
Comment: In summary, the available evidence is currently insufficient to determine the role of this variant in disease. Therefore, it has been classified as a Variant of Uncertain Significance. Algorithms developed to predict the effect of missense changes on protein structure and function are either unavailable or do not agree on the potential impact of this missense change (SIFT: "Deleterious"; PolyPhen-2: "Probably Damaging"; Align-GVGD: "Class C0"). This variant has not been reported in the literature in individuals affected with GRID2-related conditions. This variant is not present in population databases (gnomAD no frequency). This sequence change replaces glycine, which is neutral and non-polar, with alanine, which is neutral and non-polar, at codon 546 of the GRID2 protein (p.Gly546Ala).